The following is an entry in ClinVar:

NM_000593.6(TAP1):c.364C>G (p.Pro122Ala)

Gene: TAP1 (transporter 1, ATP binding cassette subfamily B member; minus strand). Cytogenetic location: 6p21.32.
Variant type: single nucleotide variant.
Coding change: c.364C>G on transcript NM_000593.6 (MANE Select); coding-DNA position 364, C replaced by G.
Protein change: p.Pro122Ala; replaces proline 122 with alanine.
Molecular consequence: missense variant.
Genome position (GRCh38, 1-based): chr6:32,853,273, G>C on the plus strand (C>G on the coding strand, the complement: TAP1 is on the minus strand). VCF-style: chr6-32853273-G-C. GRCh37 (hg19) VCF-style: chr6-32821050-G-C.
Other names: short protein forms P122A.
Identifiers: ClinVar variation 2083639 (VCV002083639.1), dbSNP rs146213303, ClinGen allele CA3747031.

ClinVar aggregate classification (germline): Uncertain significance (1 of 4 stars; one submission).

Conditions:
MHC class I deficiency. Identifiers: Orphanet 34592, MedGen C6024714, MONDO:0011476.

Allele frequency attached by ClinVar (database versions not stated): gnomAD exomes below 0.00001; ExAC 0.00002; gnomAD 0.00007; TOPMed 0.00009; ESP Exome Variant Server 0.00012.

Submission:

Labcorp Genetics (formerly Invitae), Labcorp
Classification: Uncertain significance for MHC class I deficiency 1. Last evaluated: 2022-08-15. Review status: criteria provided, single submitter. Criteria: Invitae Variant Classification Sherloc (09022015). Collection method: clinical testing. Allele origin: germline.
Comment: This sequence change replaces proline, which is neutral and non-polar, with alanine, which is neutral and non-polar, at codon 182 of the TAP1 protein (p.Pro182Ala). This variant is present in population databases (rs146213303, gnomAD 0.02%). This variant has not been reported in the literature in individuals affected with TAP1-related conditions. Algorithms developed to predict the effect of missense changes on protein structure and function output the following: SIFT: "Tolerated"; PolyPhen-2: "Benign"; Align-GVGD: "Class C0". The alanine amino acid residue is found in multiple mammalian species, which suggests that this missense change does not adversely affect protein function. In summary, the available evidence is currently insufficient to determine the role of this variant in disease. Therefore, it has been classified as a Variant of Uncertain Significance.